The following is an entry in ClinVar:

ClinVar aggregate classification (germline): Benign/Likely benign. Review status: criteria provided, multiple submitters, no conflicts (2 of 4 stars). 6 submissions from 6 submitters: Benign (1); Likely benign (4). 1 of the submissions does not count toward it. Last evaluated 2026-01-13.

Conditions:
KCNH1-related disorder. Also called: KCNH1-related disorders; KCNH1-related condition.
Zimmermann-Laband syndrome 1 (ZLS1). Identifiers: Orphanet 3473, MedGen C4551773, MONDO:0024526, OMIM 135500.
Temple-Baraitser syndrome (TMBTS). Also called: Severe mental retardation and absent nails of hallux and pollex. Identifiers: Orphanet 420561, MedGen C2678486, MONDO:0012735, OMIM 611816.

Allele frequency attached by ClinVar (database versions not stated): ESP Exome Variant Server 0.00054; gnomAD 0.00056 and 0.00058; 1000 Genomes Project 0.00060; 1000 Genomes Project 30x 0.00062; TOPMed 0.00070.
gnomAD v4.1: 301 of 1,614,186 alleles (0.019%); highest among the groups gnomAD compares: African/African-American, 0.16%; no homozygotes.

Submissions (6):

Labcorp Genetics (formerly Invitae), Labcorp
Classification: Likely benign. Last evaluated: 2026-01-13. Review status: criteria provided, single submitter. Criteria: Invitae Variant Classification Sherloc (09022015). Collection method: clinical testing. Allele origin: germline.

ARUP Laboratories, Molecular Genetics and Genomics, ARUP Laboratories
Classification: Likely benign. Last evaluated: 2025-04-01. Review status: criteria provided, single submitter. Criteria: ARUP Molecular Germline Variant Investigation Process 2024. Collection method: clinical testing. Allele origin: germline.

CeGaT Center for Human Genetics Tuebingen
Classification: Likely benign. Last evaluated: 2023-04-01. Review status: criteria provided, single submitter. Criteria: CeGaT Center For Human Genetics Tuebingen Variant Classification Criteria Version 2. Collection method: clinical testing. Allele origin: germline. Affected: yes. Observed: 1 variant allele.
Comment: KCNH1: PP2, BS1

Fulgent Genetics
Classification: Likely benign for Zimmermann-Laband syndrome 1; Temple-Baraitser syndrome. Last evaluated: 2021-07-30. Review status: criteria provided, single submitter. Criteria: ACMG Guidelines, 2015. Collection method: clinical testing. Allele origin: unknown.

GeneDx
Classification: Benign. Last evaluated: 2018-11-23. Review status: criteria provided, single submitter. Criteria: GeneDx Variant Classification Process June 2021. Collection method: clinical testing. Allele origin: germline. Affected: yes.

PreventionGenetics, part of Exact Sciences
Classification: Likely benign for KCNH1-related condition. Last evaluated: 2020-12-28. Review status: no assertion criteria provided. Collection method: clinical testing. Allele origin: germline. Not counted in ClinVar's aggregate classification.
Comment: This variant is classified as likely benign based on ACMG/AMP sequence variant interpretation guidelines (Richards et al. 2015 PMID: 25741868, with internal and published modifications).

NM_172362.3(KCNH1):c.2768A>C (p.Gln923Pro)

Gene: KCNH1 (potassium voltage-gated channel subfamily H member 1; minus strand). Cytogenetic location: 1q32.2.
Variant type: single nucleotide variant.
Coding change: c.2768A>C on transcript NM_172362.3 (MANE Select); coding-DNA position 2768, A replaced by C.
Protein change: p.Gln923Pro; replaces glutamine 923 with proline.
Molecular consequence: missense variant.
Genome position (GRCh38, 1-based): chr1:210,683,483, T>G on the plus strand (A>C on the coding strand, the complement: KCNH1 is on the minus strand). VCF-style: chr1-210683483-T-G. GRCh37 (hg19) VCF-style: chr1-210856825-T-G.
Other names: c.2687A>C, p.Gln896Pro (NM_002238.4); short protein forms Q896P, Q923P.
Identifiers: ClinVar variation 778789 (VCV000778789.37), dbSNP rs140939826, ClinGen allele CA1379591.